The following is an entry in ClinVar:

ClinVar aggregate classification (germline): Benign/Likely benign. Review status: criteria provided, multiple submitters, no conflicts (2 of 4 stars). 6 submissions from 6 submitters: Benign (4); Likely benign (2). Last evaluated 2026-02-02.

Conditions:
Congenital disorder of glycosylation type 1E (CDG1E). Also called: CONGENITAL DISORDER OF GLYCOSYLATION, TYPE Ie; CDG Ie. Identifiers: Orphanet 79322, MedGen C1837396, MONDO:0012123, OMIM 608799.

Allele frequency attached by ClinVar (database versions not stated): 1000 Genomes Project 30x 0.00422; 1000 Genomes Project 0.00439; gnomAD 0.00708; ESP Exome Variant Server 0.00730; TOPMed 0.00749.
gnomAD v4.1: 2,020 of 1,614,074 alleles (0.13%); highest among the groups gnomAD compares: African/African-American, 2.4%; 29 homozygotes.

Submissions (6):

Labcorp Genetics (formerly Invitae), Labcorp
Classification: Benign for Congenital disorder of glycosylation type 1E. Last evaluated: 2026-02-02. Review status: criteria provided, single submitter. Criteria: Invitae Variant Classification Sherloc (09022015). Collection method: clinical testing. Allele origin: germline.

ARUP Laboratories, Molecular Genetics and Genomics, ARUP Laboratories
Classification: Benign for Congenital disorder of glycosylation type 1E. Last evaluated: 2024-09-16. Review status: criteria provided, single submitter. Criteria: ARUP Molecular Germline Variant Investigation Process 2024. Collection method: clinical testing. Allele origin: germline.

Mayo Clinic Laboratories, Mayo Clinic
Classification: Benign. Last evaluated: 2020-02-24. Review status: criteria provided, single submitter. Criteria: ACMG Guidelines, 2015. Collection method: clinical testing. Allele origin: germline. Observed: 2 variant alleles.

GeneDx
Classification: Benign. Last evaluated: 2018-04-23. Review status: criteria provided, single submitter. Criteria: GeneDx Variant Classification Process June 2021. Collection method: clinical testing. Allele origin: germline. Affected: yes.

Illumina Laboratory Services, Illumina
Classification: Likely benign for Congenital disorder of glycosylation type 1E. Last evaluated: 2018-01-13. Review status: criteria provided, single submitter. Criteria: ICSL Variant Classification Criteria 13 December 2019. Collection method: clinical testing. Allele origin: germline.
Comment: This variant was observed in the ICSL laboratory as part of a predisposition screen in an ostensibly healthy population. It had not been previously curated by ICSL or reported in the Human Gene Mutation Database (HGMD: prior to June 1st, 2018), and was therefore a candidate for classification through an automated scoring system. Utilizing variant allele frequency, disease prevalence and penetrance estimates, and inheritance mode, an automated score was calculated to assess if this variant is too frequent to cause the disease. Based on the score and internal cut-off values, a variant classified as likely benign is not then subjected to further curation. The score for this variant resulted in a classification of likely benign for this disease.

Breakthrough Genomics
Classification: Likely benign. Review status: criteria provided, single submitter. Criteria: ACMG Guidelines, 2015. Collection method: not provided. Allele origin: germline. Inheritance: Autosomal recessive inheritance. Affected: yes.

NM_003859.3(DPM1):c.84G>C (p.Ser28=)

Genes: DPM1 (dolichyl-phosphate mannosyltransferase subunit 1, catalytic; minus strand), LOC130066166 (ATAC-STARR-seq lymphoblastoid active region 18108; plus strand). Cytogenetic location: 20q13.13.
Variant type: single nucleotide variant.
Coding change: c.84G>C on transcript NM_003859.3 (MANE Select); coding-DNA position 84, G replaced by C.
Protein change: p.Ser28=; no amino-acid change (serine 28 retained).
Molecular consequence: synonymous variant. On other transcripts: non-coding transcript variant (1).
Genome position (GRCh38, 1-based): chr20:50,958,440, C>G on the plus strand (G>C on the coding strand, the complement: DPM1 is on the minus strand). VCF-style: chr20-50958440-C-G. GRCh37 (hg19) VCF-style: chr20-49574977-C-G.
Other names: p.Ser28=; c.84G>C, p.Ser28= (NM_001317034.1, NM_001317035.1, NM_001317036.1); c.84G>C (NM_003859.2).
Identifiers: ClinVar variation 338756 (VCV000338756.17), dbSNP rs16995639, ClinGen allele CA9909241.
Genomic context (GRCh38, chr20:50,958,440, plus strand): 5'-CACCAGCAGCCACACGATGAGCGGCAGGTTCTCGCGCTCGTTGTAGGTAGGTAAAAGCAC[C>G]GAATATTTGTTCTGTCGTGGACTGCGCACTTCCAGCTCCCGCCGAGACCTGCGAGGACTA-3'
Protein context (NP_003850.1, residues 18-38): EVRSPRQNKY[Ser28=]VLLPTYNERE